The following is an entry in ClinVar:

ClinVar aggregate classification (germline): Conflicting classifications of pathogenicity. Review status: criteria provided, conflicting classifications (1 of 4 stars). 3 submissions from 3 submitters: Uncertain significance (1); Likely benign (2). Last evaluated 2024-02-22.

Conditions:
Cardiomyopathy (CMYO). Also called: Cardiomyopathies. Identifiers: Orphanet 167848, MedGen C0878544, MONDO:0004994, HP:0001638. Inheritance: Various modes of inheritance.

gnomAD v4.1: 1 of 1,613,782 alleles (0.000062%); highest among the groups gnomAD compares: Non-Finnish European, 0.000085%; no homozygotes.

Submissions (3):

All of Us Research Program, National Institutes of Health
Classification: Likely benign for Cardiomyopathy. Last evaluated: 2024-02-22. Review status: criteria provided, single submitter. Criteria: ACMG Guidelines, 2015. Collection method: clinical testing. Allele origin: germline. Inheritance: Autosomal dominant inheritance. Observed: 1 variant allele, 1 heterozygote.
Comment: This study involves interpretation of variants in research participants for the purpose of population health screening. Participant phenotype was not available at the time of variant classification. Additional details can be found in publication PMID: 35346344, PMCID: PMC8962531

Blueprint Genetics
Classification: Uncertain significance. Last evaluated: 2022-12-13. Review status: criteria provided, single submitter. Criteria: ACMG Guidelines, 2015. Collection method: clinical testing. Allele origin: germline.

Color Diagnostics, LLC DBA Color Health
Classification: Likely benign for Cardiomyopathy. Last evaluated: 2019-11-24. Review status: criteria provided, single submitter. Criteria: ACMG Guidelines, 2015. Collection method: clinical testing. Allele origin: germline.

NM_001276345.2(TNNT2):c.719+3G>A

Gene: TNNT2 (troponin T2, cardiac type; minus strand). Cytogenetic location: 1q32.1.
Variant type: single nucleotide variant.
Coding change: c.719+3G>A on transcript NM_001276345.2 (MANE Select); 3 bases into the intron after coding-DNA position 719, G replaced by A.
Molecular consequence: intron variant.
Genome position (GRCh38, 1-based): chr1:201,361,910, C>T on the plus strand (G>A on the coding strand, the complement: TNNT2 is on the minus strand). VCF-style: chr1-201361910-C-T. GRCh37 (hg19) VCF-style: chr1-201331038-C-T.
Other names: c.671+3G>A (NM_001001432.3); c.680+3G>A (NM_001001431.3); c.689+3G>A (NM_001001430.3, NM_001276347.2); c.590+3G>A (NM_001276346.2); c.710+3G>A (NM_000364.4).
Identifiers: ClinVar variation 918895 (VCV000918895.4), dbSNP rs111451787, ClinGen allele CA35418667.